The following is an entry in ClinVar:

NM_001329214.4(MIA2):c.2551A>C (p.Lys851Gln)

Gene: MIA2 (MIA SH3 domain ER export factor 2; plus strand). Cytogenetic location: 14q21.1.
Variant type: single nucleotide variant.
Coding change: c.2551A>C on transcript NM_001329214.4 (MANE Select); coding-DNA position 2551, A replaced by C.
Protein change: p.Lys851Gln; replaces lysine 851 with glutamine.
Molecular consequence: missense variant. On other transcripts: non-coding transcript variant (3).
Genome position (GRCh38, 1-based): chr14:39,299,918, A>C. VCF-style: chr14-39299918-A-C. GRCh37 (hg19) VCF-style: chr14-39769122-A-C.
Other names: c.640A>C, p.Lys214Gln (NM_001247988.1, NM_001354137.2, NM_001354138.1 and 3 more transcripts); c.742A>C, p.Lys248Gln (NM_001247989.2); c.502A>C, p.Lys168Gln (NM_001247990.2); c.487A>C, p.Lys163Gln (NM_001354140.2, NM_001354141.2, NM_001354142.1 and 3 more transcripts); c.691A>C, p.Lys231Gln (NM_001354146.2, NM_203354.3); c.562A>C, p.Lys188Gln (NM_001354147.1, NM_001354149.1); c.709A>C, p.Lys237Gln (NM_001354150.2); c.754A>C, p.Lys252Gln (NM_001354151.2, NM_001354152.3); and 3 more; short protein forms K137Q, K163Q, K168Q, K188Q, K214Q, K217Q, K231Q, K237Q.
Identifiers: ClinVar variation 2644192 (VCV002644192.24), dbSNP rs34761053, ClinGen allele CA7164296.

ClinVar aggregate classification (germline): Likely benign (1 of 4 stars; one submission).

Allele frequency attached by ClinVar (database versions not stated): 1000 Genomes Project 0.00140; 1000 Genomes Project 30x 0.00156; TOPMed 0.00414; ESP Exome Variant Server 0.00477; ExAC 0.00481.
gnomAD v4.1: 9,482 of 1,609,792 alleles (0.59%); highest among the groups gnomAD compares: Non-Finnish European, 0.69%; 39 homozygotes.

Submission:

CeGaT Center for Human Genetics Tuebingen
Classification: Likely benign. Last evaluated: 2022-11-01. Review status: criteria provided, single submitter. Criteria: CeGaT Center For Human Genetics Tuebingen Variant Classification Criteria Version 2. Collection method: clinical testing. Allele origin: germline. Affected: yes. Observed: 2 variant alleles.
Comment: MIA2: BP4, BS2